The following is an entry in ClinVar:

ClinVar aggregate classification (germline): Conflicting classifications of pathogenicity. Review status: criteria provided, conflicting classifications (1 of 4 stars). 2 submissions from 2 submitters: Uncertain significance (1); Likely benign (1). Last evaluated 2026-03-05.

Allele frequency attached by ClinVar (database versions not stated): gnomAD 0.00001; gnomAD exomes 0.00001 and 0.00006; TOPMed 0.00002; ExAC 0.00005.
gnomAD v4.1: 18 of 1,613,234 alleles (0.0011%); highest among the groups gnomAD compares: Admixed American, 0.028%; no homozygotes.

Submissions (2):

GeneDx
Classification: Uncertain significance. Last evaluated: 2026-03-05. Review status: criteria provided, single submitter. Criteria: GeneDx Variant Classification Process June 2021. Collection method: clinical testing. Allele origin: germline.
Comment: In silico analysis suggests that this variant does not alter splicing; Has not been previously published as pathogenic or benign to our knowledge

Labcorp Genetics (formerly Invitae), Labcorp
Classification: Likely benign. Last evaluated: 2025-01-11. Review status: criteria provided, single submitter. Criteria: Invitae Variant Classification Sherloc (09022015). Collection method: clinical testing. Allele origin: germline.

NM_000260.4(MYO7A):c.2958G>C (p.Leu986=)

Gene: MYO7A (myosin VIIA; plus strand). Cytogenetic location: 11q13.5.
Variant type: single nucleotide variant.
Coding change: c.2958G>C on transcript NM_000260.4 (MANE Select); coding-DNA position 2958, G replaced by C.
Protein change: p.Leu986=; no amino-acid change (leucine 986 retained).
Molecular consequence: synonymous variant.
Genome position (GRCh38, 1-based): chr11:77,182,004, G>C. VCF-style: chr11-77182004-G-C. GRCh37 (hg19) VCF-style: chr11-76893050-G-C.
Other names: c.2958G>C (NM_000260.3); c.2958G>C, p.Leu986= (NM_001127180.2); c.2925G>C, p.Leu975= (NM_001369365.1).
Identifiers: ClinVar variation 1129618 (VCV001129618.10), dbSNP rs782031194, ClinGen allele CA6197984.